The following is an entry in ClinVar:

NM_032043.3(BRIP1):c.1221T>G (p.Ser407Arg)

Gene: BRIP1 (BRCA1 interacting DNA helicase 1; minus strand). Cytogenetic location: 17q23.2.
Variant type: single nucleotide variant.
Coding change: c.1221T>G on transcript NM_032043.3 (MANE Select); coding-DNA position 1221, T replaced by G.
Protein change: p.Ser407Arg; replaces serine 407 with arginine.
Molecular consequence: missense variant.
Genome position (GRCh38, 1-based): chr17:61,799,219, A>C on the plus strand (T>G on the coding strand, the complement: BRIP1 is on the minus strand). VCF-style: chr17-61799219-A-C. GRCh37 (hg19) VCF-style: chr17-59876580-A-C.
Other names: short protein forms S407R.
Identifiers: ClinVar variation 1001476 (VCV001001476.9), dbSNP rs2077950726, ClinGen allele CA400483664.

ClinVar aggregate classification (germline): Uncertain significance (1 of 4 stars; one submission).

Conditions:
Familial cancer of breast. Also called: hereditary breast carcinoma; BREAST CANCER, FAMILIAL; Hereditary breast cancer. Identifiers: Orphanet 227535, MedGen C0346153, MONDO:0016419, OMIM 114480. Disease mechanism: loss of function.
Fanconi anemia complementation group J. Also called: BRIP1-Related Fanconi Anemia. Identifiers: Orphanet 84, MedGen C1836860, MONDO:0012187, OMIM 609054.

Submission:

Labcorp Genetics (formerly Invitae), Labcorp
Classification: Uncertain significance for Familial cancer of breast; Fanconi anemia complementation group J. Last evaluated: 2022-03-09. Review status: criteria provided, single submitter. Criteria: Invitae Variant Classification Sherloc (09022015). Collection method: clinical testing. Allele origin: germline.
Comment: In summary, the available evidence is currently insufficient to determine the role of this variant in disease. Therefore, it has been classified as a Variant of Uncertain Significance. Studies have shown that this missense change is associated with altered splicing resulting in unknown protein product impact (Invitae). Algorithms developed to predict the effect of missense changes on protein structure and function (SIFT, PolyPhen-2, Align-GVGD) all suggest that this variant is likely to be disruptive. ClinVar contains an entry for this variant (Variation ID: 1001476). This variant has not been reported in the literature in individuals affected with BRIP1-related conditions. This variant is not present in population databases (gnomAD no frequency). This sequence change replaces serine, which is neutral and polar, with arginine, which is basic and polar, at codon 407 of the BRIP1 protein (p.Ser407Arg).